The following is an entry in ClinVar:

ClinVar aggregate classification (germline): Uncertain significance (1 of 4 stars; one submission).

Conditions:
Intellectual developmental disorder, X-linked, syndromic, Raymond type. Also called: Syndromic X-linked intellectual disability Raymond type. Identifiers: MedGen C3275406, MONDO:0010427, OMIM 300799.

Allele frequency attached by ClinVar (database versions not stated): gnomAD exomes 0.00001.
gnomAD v4.1: 10 of 1,211,070 alleles (0.00083%); highest among the groups gnomAD compares: South Asian, 0.0018%; no homozygotes.

Submission:

Labcorp Genetics (formerly Invitae), Labcorp
Classification: Uncertain significance for Intellectual developmental disorder, X-linked, syndromic, Raymond type. Last evaluated: 2024-01-05. Review status: criteria provided, single submitter. Criteria: Invitae Variant Classification Sherloc (09022015). Collection method: clinical testing. Allele origin: germline.
Comment: This sequence change replaces leucine, which is neutral and non-polar, with phenylalanine, which is neutral and non-polar, at codon 321 of the ZDHHC9 protein (p.Leu321Phe). This variant is not present in population databases (gnomAD no frequency). This variant has not been reported in the literature in individuals affected with ZDHHC9-related conditions. An algorithm developed to predict the effect of missense changes on protein structure and function (PolyPhen-2) suggests that this variant is likely to be tolerated. In summary, the available evidence is currently insufficient to determine the role of this variant in disease. Therefore, it has been classified as a Variant of Uncertain Significance.

NM_016032.4(ZDHHC9):c.961C>T (p.Leu321Phe)

Gene: ZDHHC9 (zDHHC palmitoyltransferase 9; minus strand). Cytogenetic location: Xq26.1.
Variant type: single nucleotide variant.
Coding change: c.961C>T on transcript NM_016032.4 (MANE Select); coding-DNA position 961, C replaced by T.
Protein change: p.Leu321Phe; replaces leucine 321 with phenylalanine.
Molecular consequence: missense variant.
Genome position (GRCh38, 1-based): chrX:129,810,922, G>A on the plus strand (C>T on the coding strand, the complement: ZDHHC9 is on the minus strand). VCF-style: chrX-129810922-G-A. GRCh37 (hg19) VCF-style: chrX-128944898-G-A.
Other names: c.961C>T, p.Leu321Phe (NM_001008222.3); short protein forms L321F.
Identifiers: ClinVar variation 2707851 (VCV002707851.3), dbSNP rs2522181562, ClinGen allele CA414580917.